The following is an entry in ClinVar:

ClinVar aggregate classification (germline): Likely benign (0 of 4 stars; one submission).

Conditions:
KIAA0586-related disorder. Also called: KIAA0586-related condition; KIAA0586- Related disorders.

Submission:

PreventionGenetics, part of Exact Sciences
Classification: Likely benign for KIAA0586-related condition. Last evaluated: 2019-05-13. Review status: no assertion criteria provided. Collection method: clinical testing. Allele origin: germline.
Comment: This variant is classified as likely benign based on ACMG/AMP sequence variant interpretation guidelines (Richards et al. 2015 PMID: 25741868, with internal and published modifications).

NM_001329943.3(KIAA0586):c.2945-10_2945-9del

Gene: KIAA0586 (KIAA0586; plus strand). Cytogenetic location: 14q23.1.
Variant type: Deletion.
Coding change: c.2945-10_2945-9del on transcript NM_001329943.3 (MANE Select); 10 bases into the intron before coding-DNA position 2945 through 9 bases into the intron before coding-DNA position 2945, 2 bases deleted (TT; older notation c.2945-10_2945-9delTT).
Molecular consequence: intron variant.
Genome position (GRCh38, 1-based): chr14:58,482,503-58,482,504, TT deleted; deleting any 2 consecutive bases within chr14:58,482,493-58,482,504 gives the same sequence; the c. name uses the placement nearest the transcript's 3' end. VCF-style (leftmost placement, unchanged base first): chr14-58482492-ATT-A. GRCh37 (hg19) VCF-style: chr14-58949210-ATT-A.
Other names: c.3104-10_3104-9del (NM_001244189.2); c.2900-10_2900-9del (NM_001244190.2); c.2813-10_2813-9del (NM_001244192.2); c.2690-10_2690-9del (NM_001244191.2, NM_001364701.2, NM_001329945.2 and 1 more transcripts); c.2945-10_2945-9del (NM_001329944.2, NM_001329946.2, NM_001329947.2); c.2717-10_2717-9del (NM_014749.5); c.2525-10_2525-9del (NM_001244193.2).
Identifiers: ClinVar variation 3041742 (VCV003041742.2), dbSNP rs748594194, ClinGen allele CA7206023.